The following is an entry in ClinVar:

NM_001109878.2(TBX22):c.571C>T (p.Arg191Trp)

Gene: TBX22 (T-box transcription factor 22). Cytogenetic location: Xq21.1.
Variant type: single nucleotide variant.
Coding change: c.571C>T on transcript NM_001109878.2 (MANE Select); coding-DNA position 571, C replaced by T.
Protein change: p.Arg191Trp; replaces arginine 191 with tryptophan.
Molecular consequence: missense variant.
Genome position (GRCh38, 1-based): chrX:80,025,715, C>T. VCF-style: chrX-80025715-C-T. GRCh37 (hg19) VCF-style: chrX-79281214-C-T.
Other names: c.211C>T, p.Arg71Trp (NM_001109879.2, NM_001303475.1); c.571C>T, p.Arg191Trp (NM_016954.2); short protein forms R191W, R71W.
Identifiers: ClinVar variation 3908067 (VCV003908067.1).

ClinVar aggregate classification (germline): Uncertain significance (1 of 4 stars; one submission).

gnomAD v4.1: 4 of 1,208,989 alleles (0.00033%); highest among the groups gnomAD compares: East Asian, 0.003%; no homozygotes.

Submission:

GeneDx
Classification: Uncertain significance. Last evaluated: 2024-12-27. Review status: criteria provided, single submitter. Criteria: GeneDx Variant Classification Process June 2021. Collection method: clinical testing. Allele origin: germline. Affected: yes.
Comment: Not observed at significant frequency in large population cohorts (gnomAD); In silico analysis supports that this missense variant has a deleterious effect on protein structure/function; Has not been previously published as pathogenic or benign to our knowledge